The following is an entry in ClinVar:

ClinVar aggregate classification (germline): Uncertain significance (1 of 4 stars; one submission).

Submission:

Labcorp Genetics (formerly Invitae), Labcorp
Classification: Uncertain significance. Last evaluated: 2024-12-23. Review status: criteria provided, single submitter. Criteria: Invitae Variant Classification Sherloc (09022015). Collection method: clinical testing. Allele origin: germline.
Comment: This sequence change replaces alanine, which is neutral and non-polar, with proline, which is neutral and non-polar, at codon 154 of the HOXB13 protein (p.Ala154Pro). This variant is not present in population databases (gnomAD no frequency). This variant has not been reported in the literature in individuals affected with HOXB13-related conditions. ClinVar contains an entry for this variant (Variation ID: 2902765). Invitae Evidence Modeling of protein sequence and biophysical properties (such as structural, functional, and spatial information, amino acid conservation, physicochemical variation, residue mobility, and thermodynamic stability) indicates that this missense variant is not expected to disrupt HOXB13 protein function with a negative predictive value of 80%. In summary, the available evidence is currently insufficient to determine the role of this variant in disease. Therefore, it has been classified as a Variant of Uncertain Significance.

NM_006361.6(HOXB13):c.460G>C (p.Ala154Pro)

Gene: HOXB13 (homeobox B13; minus strand). Cytogenetic location: 17q21.32.
Variant type: single nucleotide variant.
Coding change: c.460G>C on transcript NM_006361.6 (MANE Select); coding-DNA position 460, G replaced by C.
Protein change: p.Ala154Pro; replaces alanine 154 with proline.
Molecular consequence: missense variant.
Genome position (GRCh38, 1-based): chr17:48,728,134, C>G on the plus strand (G>C on the coding strand, the complement: HOXB13 is on the minus strand). VCF-style: chr17-48728134-C-G. GRCh37 (hg19) VCF-style: chr17-46805496-C-G.
Other names: short protein forms A154P.
Identifiers: ClinVar variation 2902765 (VCV002902765.3), dbSNP rs2143071860, ClinGen allele CA400107411.